The following is an entry in ClinVar:

ClinVar aggregate classification (germline): Likely pathogenic (1 of 4 stars; one submission).

Conditions:
Malignant hyperthermia, susceptibility to, 1 (MHS1). Also called: Anesthesia related hyperthermia; Malignant hyperpyrexia; Fulminating hyperpyrexia; Pharmacogenic myopathy; RYR1-Related Malignant Hyperthermia Susceptibility; Malignant hyperthermia suceptibility 1. Identifiers: Orphanet 423, MedGen C2930980, MONDO:0007783, OMIM 145600.

Submission:

Undiagnosed Diseases Network, NIH
Classification: Likely pathogenic for Malignant hyperthermia, susceptibility to, 1. Last evaluated: 2026-01-19. Review status: criteria provided, single submitter. Criteria: ACMG Guidelines, 2015. Collection method: clinical testing. Allele origin: maternal. Affected: yes. Observed: 1 variant allele, 1 heterozygote. Study: Undiagnosed Diseases Network (NIH), UDN.
Comment: This variant is located in the critical N-terminal Region (PMID: 33767344). A different missense change at this residue (G341R) has been reported as pathogenic in the published literature in association with malignant hyperthermia (PMID: 30236257, 8012359, 12732639, 9334205, 33767344). In silico analysis supports that this missense variant has a deleterious effect on protein structure/function. This variant is not observed at significant frequency in large population cohorts (gnomAD).

Literature cited by the submitters: PubMed 30236257; PubMed 8012359; PubMed 12732639; PubMed 9334205; PubMed 33767344.

NM_000540.3(RYR1):c.1021G>T (p.Gly341Trp)

Gene: RYR1 (ryanodine receptor 1; plus strand). Cytogenetic location: 19q13.2.
Variant type: single nucleotide variant.
Coding change: c.1021G>T on transcript NM_000540.3 (MANE Select); coding-DNA position 1021, G replaced by T.
Protein change: p.Gly341Trp; replaces glycine 341 with tryptophan.
Molecular consequence: missense variant.
Genome position (GRCh38, 1-based): chr19:38,448,712, G>T. VCF-style: chr19-38448712-G-T. GRCh37 (hg19) VCF-style: chr19-38939352-G-T.
Other names: c.1021G>T, p.Gly341Trp (NM_001042723.2); short protein forms G341W.
Identifiers: ClinVar variation 4857185 (VCV004857185.1).